The following is an entry in ClinVar:

ClinVar aggregate classification (germline): Uncertain significance. Review status: criteria provided, multiple submitters, no conflicts (2 of 4 stars). 2 submissions from 2 submitters: Uncertain significance (2). Last evaluated 2025-03-04.

Conditions:
Cardiovascular phenotype. Identifiers: MedGen CN230736.

Allele frequency attached by ClinVar (database versions not stated): ExAC 0.00001; ESP Exome Variant Server 0.00008.

Submissions (2):

Labcorp Genetics (formerly Invitae), Labcorp
Classification: Uncertain significance. Last evaluated: 2025-03-04. Review status: criteria provided, single submitter. Criteria: Invitae Variant Classification Sherloc (09022015). Collection method: clinical testing. Allele origin: germline.
Comment: This sequence change replaces tryptophan, which is neutral and slightly polar, with arginine, which is basic and polar, at codon 312 of the ALPK3 protein (p.Trp312Arg). This variant is present in population databases (rs370566552, gnomAD 0.0009%). This variant has not been reported in the literature in individuals affected with ALPK3-related conditions. ClinVar contains an entry for this variant (Variation ID: 1766663). An algorithm developed to predict the effect of missense changes on protein structure and function (PolyPhen-2) suggests that this variant is likely to be disruptive. In summary, the available evidence is currently insufficient to determine the role of this variant in disease. Therefore, it has been classified as a Variant of Uncertain Significance.

Ambry Genetics
Classification: Uncertain significance for Cardiovascular phenotype. Last evaluated: 2024-02-09. Review status: criteria provided, single submitter. Criteria: Ambry Variant Classification Scheme 2023. Collection method: clinical testing. Allele origin: germline.
Comment: The p.W312R variant (also known as c.934T>C), located in coding exon 4 of the ALPK3 gene, results from a T to C substitution at nucleotide position 934. The tryptophan at codon 312 is replaced by arginine, an amino acid with dissimilar properties. This amino acid position is highly conserved in available vertebrate species. In addition, this alteration is predicted to be deleterious by in silico analysis. Since supporting evidence is limited at this time, the clinical significance of this alteration remains unclear.

NM_020778.5(ALPK3):c.328T>C (p.Trp110Arg)

Gene: ALPK3 (alpha kinase 3; plus strand). Cytogenetic location: 15q25.3.
Variant type: single nucleotide variant.
Coding change: c.328T>C on transcript NM_020778.5 (MANE Select); coding-DNA position 328, T replaced by C.
Protein change: p.Trp110Arg; replaces tryptophan 110 with arginine.
Molecular consequence: missense variant.
Genome position (GRCh38, 1-based): chr15:84,839,003, T>C. VCF-style: chr15-84839003-T-C. GRCh37 (hg19) VCF-style: chr15-85382234-T-C.
Other names: short protein forms W110R.
Identifiers: ClinVar variation 1766663 (VCV001766663.4), dbSNP rs370566552, ClinGen allele CA7708942.